The following is an entry in ClinVar:

NM_002473.6(MYH9):c.5115G>A (p.Glu1705=)

Gene: MYH9 (myosin heavy chain 9; minus strand). Cytogenetic location: 22q12.3.
Variant type: single nucleotide variant.
Coding change: c.5115G>A on transcript NM_002473.6 (MANE Select); coding-DNA position 5115, G replaced by A.
Protein change: p.Glu1705=; no amino-acid change (glutamic acid 1705 retained).
Molecular consequence: synonymous variant.
Genome position (GRCh38, 1-based): chr22:36,285,900, C>T on the plus strand (G>A on the coding strand, the complement: MYH9 is on the minus strand). VCF-style: chr22-36285900-C-T. GRCh37 (hg19) VCF-style: chr22-36681946-C-T.
Identifiers: ClinVar variation 2428698 (VCV002428698.5), dbSNP rs748923632, ClinGen allele CA10209169.
Genomic context (GRCh38, chr22:36,285,900, plus strand): 5'-AACTCTGCCCCCTCACTCAGCTCACCCTTTGCCGCTGCTGTTGGCGATCTCGTCAGCCAG[C>T]TCATCCCGCTCCTGCTGGGCCTGGCGCTTGGCACGCTCCGCGGCTGCCAGTTCCTGCCAC-3'
Protein context (NP_002464.1, residues 1695-1715): AKRQAQQERD[Glu1705=]LADEIANSSG

ClinVar aggregate classification (germline): Likely benign. Review status: criteria provided, multiple submitters, no conflicts (2 of 4 stars). 3 submissions from 3 submitters: Likely benign (2). 1 of the submissions does not count toward it. Last evaluated 2022-07-15.

Conditions:
MYH9-related disorder. Identifiers: MedGen C1854520.

Allele frequency attached by ClinVar (database versions not stated): gnomAD exomes 0.00001; ExAC 0.00002; gnomAD 0.00003; TOPMed 0.00007.
gnomAD v4.1: 12 of 1,613,210 alleles (0.00074%); highest among the groups gnomAD compares: African/African-American, 0.013%; no homozygotes.

Submissions (3):

ARUP Laboratories, Molecular Genetics and Genomics, ARUP Laboratories
Classification: Likely benign. Last evaluated: 2022-07-15. Review status: criteria provided, single submitter. Criteria: ARUP Molecular Germline Variant Investigation Process 2021. Collection method: clinical testing. Allele origin: germline.

Blueprint Genetics
Classification: Likely benign. Last evaluated: 2022-07-13. Review status: criteria provided, single submitter. Criteria: ACMG Guidelines, 2015. Collection method: clinical testing. Allele origin: germline.

PreventionGenetics, part of Exact Sciences
Classification: Likely benign for MYH9-related condition. Last evaluated: 2024-09-27. Review status: no assertion criteria provided. Collection method: clinical testing. Allele origin: germline. Not counted in ClinVar's aggregate classification.
Comment: This variant is classified as likely benign based on ACMG/AMP sequence variant interpretation guidelines (Richards et al. 2015 PMID: 25741868, with internal and published modifications).